The following is an entry in ClinVar:

ClinVar aggregate classification (germline): Benign/Likely benign. Review status: criteria provided, multiple submitters, no conflicts (2 of 4 stars). 3 submissions from 3 submitters: Benign (2); Likely benign (1). Last evaluated 2026-06-01.

Conditions:
Spermatogenic failure 18. Identifiers: MedGen C4539783, MONDO:0054615, OMIM 617576.
Ciliary dyskinesia, primary, 37 (CILD37). Also called: CILIARY DYSKINESIA, PRIMARY, 37, WITH OR WITHOUT SITUS INVERSUS. Identifiers: MedGen C4539798, MONDO:0033204, OMIM 617577.

Allele frequency attached by ClinVar (database versions not stated): 1000 Genomes Project 30x 0.00062; 1000 Genomes Project 0.00080; TOPMed 0.00234; gnomAD 0.00323 and 0.00334; gnomAD exomes 0.00413 and 0.00431; ESP Exome Variant Server 0.00434; ExAC 0.00491.
gnomAD v4.1: 6,737 of 1,613,464 alleles (0.42%); highest among the groups gnomAD compares: Non-Finnish European, 0.48%; 29 homozygotes.

Submissions (3):

CeGaT Center for Human Genetics Tuebingen
Classification: Likely benign. Last evaluated: 2026-06-01. Review status: criteria provided, single submitter. Criteria: CeGaT Center For Human Genetics Tuebingen Variant Classification Criteria Version 2. Collection method: clinical testing. Allele origin: germline. Affected: yes. Observed: 7 variant alleles.
Comment: DNAH1: BP4, BS2

Labcorp Genetics (formerly Invitae), Labcorp
Classification: Benign for Ciliary dyskinesia, primary, 37; Spermatogenic failure 18. Last evaluated: 2026-02-02. Review status: criteria provided, single submitter. Criteria: Invitae Variant Classification Sherloc (09022015). Collection method: clinical testing. Allele origin: germline.

ARUP Laboratories, Molecular Genetics and Genomics, ARUP Laboratories
Classification: Benign. Last evaluated: 2025-06-16. Review status: criteria provided, single submitter. Criteria: ARUP Molecular Germline Variant Investigation Process 2024. Collection method: clinical testing. Allele origin: germline.

NM_015512.5(DNAH1):c.2204G>A (p.Ser735Asn)

Gene: DNAH1 (dynein axonemal heavy chain 1; plus strand). Cytogenetic location: 3p21.1.
Variant type: single nucleotide variant.
Coding change: c.2204G>A on transcript NM_015512.5 (MANE Select); coding-DNA position 2204, G replaced by A.
Protein change: p.Ser735Asn; replaces serine 735 with asparagine.
Molecular consequence: missense variant.
Genome position (GRCh38, 1-based): chr3:52,348,985, G>A. VCF-style: chr3-52348985-G-A. GRCh37 (hg19) VCF-style: chr3-52383001-G-A.
Other names: short protein forms S735N.
Identifiers: ClinVar variation 478424 (VCV000478424.45), dbSNP rs187636110, ClinGen allele CA2433180.